The following is an entry in ClinVar:

NM_032242.4(PLXNA1):c.549C>T (p.Ala183=)

Gene: PLXNA1 (plexin A1; plus strand). Cytogenetic location: 3q21.3.
Variant type: single nucleotide variant.
Coding change: c.549C>T on transcript NM_032242.4 (MANE Select); coding-DNA position 549, C replaced by T.
Protein change: p.Ala183=; no amino-acid change (alanine 183 retained).
Molecular consequence: synonymous variant.
Genome position (GRCh38, 1-based): chr3:126,989,142, C>T. VCF-style: chr3-126989142-C-T. GRCh37 (hg19) VCF-style: chr3-126707985-C-T.
Identifiers: ClinVar variation 3040485 (VCV003040485.2), dbSNP rs1200023384, ClinGen allele CA435759777.

ClinVar aggregate classification (germline): Likely benign (0 of 4 stars; one submission).

Conditions:
PLXNA1-related disorder. Also called: PLXNA1-related condition.

Allele frequency attached by ClinVar (database versions not stated): gnomAD exomes below 0.00001; TOPMed 0.00001.
gnomAD v4.1: 2 of 1,613,358 alleles (0.00012%); highest among the groups gnomAD compares: Admixed American, 0.0033%; no homozygotes.

Submission:

PreventionGenetics, part of Exact Sciences
Classification: Likely benign for PLXNA1-related condition. Last evaluated: 2019-09-26. Review status: no assertion criteria provided. Collection method: clinical testing. Allele origin: germline.
Comment: This variant is classified as likely benign based on ACMG/AMP sequence variant interpretation guidelines (Richards et al. 2015 PMID: 25741868, with internal and published modifications).